The following is an entry in ClinVar:

ClinVar aggregate classification (germline): Uncertain significance (1 of 4 stars; one submission).

Conditions:
Inborn genetic diseases. Identifiers: MedGen C0950123, MeSH D030342.

gnomAD v4.1: 1 of 1,613,946 alleles (0.000062%); highest among the groups gnomAD compares: Non-Finnish European, 0.000085%; no homozygotes.

Submission:

Ambry Genetics
Classification: Uncertain significance for Inborn genetic diseases. Last evaluated: 2025-02-03. Review status: criteria provided, single submitter. Criteria: Ambry Variant Classification Scheme 2023. Collection method: clinical testing. Allele origin: germline.
Comment: The p.I573T variant (also known as c.1718T>C), located in coding exon 1 of the SAMD9 gene, results from a T to C substitution at nucleotide position 1718. The isoleucine at codon 573 is replaced by threonine, an amino acid with similar properties. This amino acid position is conserved. In addition, this alteration is predicted to be tolerated by in silico analysis. Based on the available evidence, the clinical significance of this variant remains unclear.

NM_017654.4(SAMD9):c.1718T>C (p.Ile573Thr)

Gene: SAMD9 (sterile alpha motif domain containing 9; minus strand). Cytogenetic location: 7q21.2.
Variant type: single nucleotide variant.
Coding change: c.1718T>C on transcript NM_017654.4 (MANE Select); coding-DNA position 1718, T replaced by C.
Protein change: p.Ile573Thr; replaces isoleucine 573 with threonine.
Molecular consequence: missense variant.
Genome position (GRCh38, 1-based): chr7:93,104,380, A>G on the plus strand (T>C on the coding strand, the complement: SAMD9 is on the minus strand). VCF-style: chr7-93104380-A-G. GRCh37 (hg19) VCF-style: chr7-92733693-A-G.
Other names: c.1718T>C, p.Ile573Thr (NM_001193307.2); short protein forms I573T.
Identifiers: ClinVar variation 3792049 (VCV003792049.1).
Genomic context (GRCh38, chr7:93,104,380, plus strand): 5'-CTTGCTTCAAGTAGATCTTTCCATCCCTGAAATATGTGTGGGTGCACACAAATACACAGT[A>G]TATTTTCCATTCCTTTGAGATCCTGGTAGAAAGCACAGAAAGTCTCAATGAGGGGATCTC-3'
Protein context (NP_060124.2, residues 563-583): FYQDLKGMEN[Ile573Thr]LCICVHPHIF